The following is an entry in ClinVar:

NM_001845.6(COL4A1):c.4679T>C (p.Val1560Ala)

Gene: COL4A1 (collagen type IV alpha 1 chain; minus strand). Cytogenetic location: 13q34.
Variant type: single nucleotide variant.
Coding change: c.4679T>C on transcript NM_001845.6 (MANE Select); coding-DNA position 4679, T replaced by C.
Protein change: p.Val1560Ala; replaces valine 1560 with alanine.
Molecular consequence: missense variant.
Genome position (GRCh38, 1-based): chr13:110,155,359, A>G on the plus strand (T>C on the coding strand, the complement: COL4A1 is on the minus strand). VCF-style: chr13-110155359-A-G. GRCh37 (hg19) VCF-style: chr13-110807706-A-G.
Other names: short protein forms V1560A.
Identifiers: ClinVar variation 3730081 (VCV003730081.2).

ClinVar aggregate classification (germline): Uncertain significance (1 of 4 stars; one submission).

gnomAD v4.1: 2 of 1,614,192 alleles (0.00012%); highest among the groups gnomAD compares: East Asian, 0.0045%; no homozygotes.

Submission:

Labcorp Genetics (formerly Invitae), Labcorp
Classification: Uncertain significance. Last evaluated: 2024-06-26. Review status: criteria provided, single submitter. Criteria: Invitae Variant Classification Sherloc (09022015). Collection method: clinical testing. Allele origin: germline.
Comment: This sequence change replaces valine, which is neutral and non-polar, with alanine, which is neutral and non-polar, at codon 1560 of the COL4A1 protein (p.Val1560Ala). This variant is present in population databases (rs555466778, gnomAD 0.006%). This variant has not been reported in the literature in individuals affected with COL4A1-related conditions. Experimental studies and prediction algorithms are not available or were not evaluated, and the functional significance of this variant is currently unknown. In summary, the available evidence is currently insufficient to determine the role of this variant in disease. Therefore, it has been classified as a Variant of Uncertain Significance.